The following is an entry in ClinVar:

NM_201384.3(PLEC):c.3657G>A (p.Leu1219=)

Gene: PLEC (plectin; minus strand). Cytogenetic location: 8q24.3.
Variant type: single nucleotide variant.
Coding change: c.3657G>A on transcript NM_201384.3 (MANE Select); coding-DNA position 3657, G replaced by A.
Protein change: p.Leu1219=; no amino-acid change (leucine 1219 retained).
Molecular consequence: synonymous variant.
Genome position (GRCh38, 1-based): chr8:143,927,509, C>T on the plus strand (G>A on the coding strand, the complement: PLEC is on the minus strand). VCF-style: chr8-143927509-C-T. GRCh37 (hg19) VCF-style: chr8-145001677-C-T.
Other names: c.3738G>A, p.Leu1246= (NM_000445.5, NM_001410941.1); c.3615G>A, p.Leu1205= (NM_201378.4); c.3591G>A, p.Leu1197= (NM_201379.3); c.4068G>A, p.Leu1356= (NM_201380.4); c.3561G>A, p.Leu1187= (NM_201381.3); c.3657G>A, p.Leu1219= (NM_201382.4); c.3669G>A, p.Leu1223= (NM_201383.3); c.3738G>A (NM_000445.4).
Identifiers: ClinVar variation 2193810 (VCV002193810.5), dbSNP rs551181678, ClinGen allele CA4926994.
Genomic context (GRCh38, chr8:143,927,509, plus strand): 5'-GGCCAGCGGCATGGCCTGGATCTGCTCCTGCCGCCGCCTGGCGTCCTGCAGCCAGGCGCC[C>T]AAGGGGTCTGCACTCTCGCGGTAGTAACGCAGCTGGCGGCCCAGTTGCTCGAGCTCGCGC-3'
Protein context (NP_958786.1, residues 1209-1229): LRYYRESADP[Leu1219=]GAWLQDARRR

ClinVar aggregate classification (germline): Likely benign. Review status: criteria provided, multiple submitters, no conflicts (2 of 4 stars). 2 submissions from 2 submitters: Likely benign (2). Last evaluated 2026-09-21.

Conditions:
Autosomal recessive limb-girdle muscular dystrophy type 2Q (LGMDR17). Also called: MUSCULAR DYSTROPHY, LIMB-GIRDLE, AUTOSOMAL RECESSIVE 17. Identifiers: Orphanet 254361, MedGen C3150989, MONDO:0013390, OMIM 613723.
Epidermolysis bullosa simplex, Ogna type (EBS5A). Also called: Pidermolysis bullosa simplex 5A, Ogna type; EPIDERMOLYSIS BULLOSA SIMPLEX 5A, OGNA TYPE. Identifiers: Orphanet 79401, MedGen C0432317, MONDO:0007555, OMIM 131950.
Epidermolysis bullosa simplex with nail dystrophy (EBS5D). Identifiers: MedGen C4225309, MONDO:0014661, OMIM 616487.
Epidermolysis bullosa simplex 5B, with muscular dystrophy (EBS5B). Also called: Epidermolysis bullosa simplex with muscular dystrophy; EPIDERMOLYSIS BULLOSA SIMPLEX AND LIMB-GIRDLE MUSCULAR DYSTROPHY. Identifiers: Orphanet 257, MedGen C2931072, MONDO:0009181, OMIM 226670.
Epidermolysis bullosa simplex 5C, with pyloric atresia (EBS5C). Also called: PLEC-Related Epidermolysis Bullosa with Pyloric Atresia; Epidermolysis bullosa simplex with pyloric atresia; PLEC1-Related Epidermolysis Bullosa with Pyloric Atresia. Identifiers: Orphanet 158684, MedGen C2677349, MONDO:0012807, OMIM 612138.
PLEC-related disorder. Also called: PLEC-related disorders; PLEC-related condition.

Allele frequency attached by ClinVar (database versions not stated): TOPMed 0.00001; gnomAD 0.00002; gnomAD exomes 0.00003; ExAC 0.00010; 1000 Genomes Project 30x 0.00062; 1000 Genomes Project 0.00080.

Submissions (2):

PreventionGenetics, part of Exact Sciences
Classification: Likely benign for PLEC-related condition. Last evaluated: 2026-09-21. Review status: criteria provided, single submitter. Criteria: ACMG Guidelines, 2015. Collection method: clinical testing. Allele origin: germline.
Comment: This variant is classified as likely benign based on ACMG/AMP sequence variant interpretation guidelines (Richards et al. 2015 PMID: 25741868, with internal and published modifications).

Labcorp Genetics (formerly Invitae), Labcorp
Classification: Likely benign for Autosomal recessive limb-girdle muscular dystrophy type 2Q; Epidermolysis bullosa simplex, Ogna type; Epidermolysis bullosa simplex with nail dystrophy; Epidermolysis bullosa simplex 5C, with pyloric atresia; Epidermolysis bullosa simplex 5B, with muscular dystrophy. Last evaluated: 2025-08-05. Review status: criteria provided, single submitter. Criteria: Invitae Variant Classification Sherloc (09022015). Collection method: clinical testing. Allele origin: germline.